The following is an entry in ClinVar:

ClinVar aggregate classification (germline): Uncertain significance (1 of 4 stars; one submission).

Submission:

GeneDx
Classification: Uncertain significance. Last evaluated: 2023-03-22. Review status: criteria provided, single submitter. Criteria: GeneDx Variant Classification Process June 2021. Collection method: clinical testing. Allele origin: germline. Affected: yes.
Comment: Not observed at significant frequency in large population cohorts (gnomAD); In silico analysis supports that this missense variant has a deleterious effect on protein structure/function; Has not been previously published as pathogenic or benign to our knowledge

NM_001349798.2(FBXW7):c.835G>T (p.Asp279Tyr)

Genes: FBXW7 (F-box and WD repeat domain containing 7; minus strand), FBXW7-AS1 (FBXW7 antisense RNA 1; plus strand). Cytogenetic location: 4q31.3.
Variant type: single nucleotide variant.
Coding change: c.835G>T on transcript NM_001349798.2 (MANE Select); coding-DNA position 835, G replaced by T.
Protein change: p.Asp279Tyr; replaces aspartic acid 279 with tyrosine.
Molecular consequence: missense variant. On other transcripts: non-coding transcript variant (1).
Genome position (GRCh38, 1-based): chr4:152,337,828, C>A on the plus strand (G>T on the coding strand, the complement: FBXW7 is on the minus strand). VCF-style: chr4-152337828-C-A. GRCh37 (hg19) VCF-style: chr4-153258980-C-A.
Other names: c.481G>T, p.Asp161Tyr (NM_001013415.2); c.595G>T, p.Asp199Tyr (NM_018315.5); c.835G>T, p.Asp279Tyr (NM_033632.3); short protein forms D161Y, D199Y, D279Y.
Identifiers: ClinVar variation 2580756 (VCV002580756.1), dbSNP rs2126583438, ClinGen allele CA358615246.